The following is an entry in ClinVar:

NM_138459.5(NUS1):c.196_197delinsGA (p.Arg66Asp)

Gene: NUS1 (NUS1 dehydrodolichyl diphosphate synthase subunit; plus strand). Cytogenetic location: 6q22.1.
Variant type: Indel.
Coding change: c.196_197delinsGA on transcript NM_138459.5 (MANE Select); coding-DNA positions 196 to 197, CG replaced by GA.
Protein change: p.Arg66Asp; replaces arginine 66 with aspartic acid.
Molecular consequence: missense variant.
Genome position (GRCh38, 1-based): chr6:117,675,866-117,675,867, CG replaced by GA. VCF-style: chr6-117675866-CG-GA. GRCh37 (hg19) VCF-style: chr6-117997029-CG-GA.
Other names: short protein forms R66D.
Identifiers: ClinVar variation 3651062 (VCV003651062.2).

ClinVar aggregate classification (germline): Uncertain significance (1 of 4 stars; one submission).

Conditions:
Congenital disorder of glycosylation, type Iaa. Also called: Congenital disorder of glycosylation, type 1aa. Identifiers: MedGen C4310727, MONDO:0014904, OMIM 617082.

Submission:

Labcorp Genetics (formerly Invitae), Labcorp
Classification: Uncertain significance for Congenital disorder of glycosylation, type Iaa. Last evaluated: 2024-07-08. Review status: criteria provided, single submitter. Criteria: Invitae Variant Classification Sherloc (09022015). Collection method: clinical testing. Allele origin: germline.
Comment: This sequence change replaces arginine, which is basic and polar, with aspartic acid, which is acidic and polar, at codon 66 of the NUS1 protein (p.Arg66Asp). Information on the frequency of this variant in the gnomAD database is not available, as this variant may be reported differently in the database. This variant has not been reported in the literature in individuals affected with NUS1-related conditions. An algorithm developed to predict the effect of missense changes on protein structure and function (PolyPhen-2) suggests that this variant is likely to be tolerated. In summary, the available evidence is currently insufficient to determine the role of this variant in disease. Therefore, it has been classified as a Variant of Uncertain Significance.